The following is an entry in ClinVar:

ClinVar aggregate classification (germline): Benign. Review status: criteria provided, multiple submitters, no conflicts (2 of 4 stars). 2 submissions from 2 submitters: Benign (2). Last evaluated 2018-01-13.

Conditions:
Cataract 14 multiple types. Also called: CATARACT 14, ZONULAR PULVERULENT; CATARACT 14, NUCLEAR PULVERULENT; CATARACT 14, NUCLEAR PULVERULENT AND POSTERIOR POLAR; CATARACT 14, NUCLEAR CORALLIFORM; CATARACT 14, EMBRYONAL NUCLEAR; CATARACT 14, COPPOCK-LIKE. Identifiers: Orphanet 91492, MedGen C1866078, MONDO:0011162, OMIM 601885.

Allele frequency attached by ClinVar (database versions not stated): TOPMed 0.94727; 1000 Genomes Project 30x 0.94769; gnomAD 0.95210 and 0.95576; 1000 Genomes Project 0.95407.

Submissions (3):

Illumina Laboratory Services, Illumina
Classification: Benign for Cataract 14 multiple types. Last evaluated: 2018-01-13. Review status: criteria provided, single submitter. Criteria: ICSL Variant Classification Criteria 13 December 2019. Collection method: clinical testing. Allele origin: germline.
Comment: This variant was observed in the ICSL laboratory as part of a predisposition screen in an ostensibly healthy population. It had not been previously curated by ICSL or reported in the Human Gene Mutation Database (HGMD: prior to June 1st, 2018), and was therefore a candidate for classification through an automated scoring system. Utilizing variant allele frequency, disease prevalence and penetrance estimates, and inheritance mode, an automated score was calculated to assess if this variant is too frequent to cause the disease. Based on the score and internal cut-off values, a variant classified as benign is not then subjected to further curation. The score for this variant resulted in a classification of benign for this disease.

Breakthrough Genomics
Classification: Benign. Review status: criteria provided, single submitter. Criteria: ACMG Guidelines, 2015. Collection method: not provided. Allele origin: germline. Inheritance: Autosomal dominant inheritance. Affected: yes.

Dr. Peter K. Rogan Lab, Western University
No classification provided (evidence only). Condition: Cervical cancer. Review status: no classification provided. Collection method: in vitro. Allele origin: not applicable. Functional consequence: retained intron. Not counted in ClinVar's aggregate classification.

NM_021954.4(GJA3):c.*2593A>T

Gene: GJA3 (gap junction protein alpha 3; minus strand). Cytogenetic location: 13q12.11.
Variant type: single nucleotide variant.
Coding change: c.*2593A>T on transcript NM_021954.4 (MANE Select); 2593 bases downstream of the stop codon, A replaced by T.
Molecular consequence: 3 prime UTR variant.
Genome position (GRCh38, 1-based): chr13:20,139,388, T>A on the plus strand (A>T on the coding strand, the complement: GJA3 is on the minus strand). VCF-style: chr13-20139388-T-A. GRCh37 (hg19) VCF-style: chr13-20713527-T-A.
Other names: NC_000013.10:g.20713527T>A.
Identifiers: ClinVar variation 311296 (VCV000311296.7), dbSNP rs6490520, ClinGen allele CA10633945.
Genomic context (GRCh38, chr13:20,139,388, plus strand): 5'-AAACTTTCTAATGAATCAAGAACAAAATAGTTTCAGTGAAATTTCCAGGCTAGAAAAAAA[T>A]AGGTCTGGAATCTTGCCCACAGAGAGAGGCAATTTCTATTTTTATTGCATGTTTCAATGT-3'